The following is an entry in ClinVar:

ClinVar aggregate classification (germline): Conflicting classifications of pathogenicity. Review status: criteria provided, conflicting classifications (1 of 4 stars). 2 submissions from 2 submitters: Uncertain significance (1); Likely benign (1). Last evaluated 2023-03-23.

Conditions:
Hereditary breast ovarian cancer syndrome. Also called: Hereditary breast and ovarian cancer; Hereditary breast and/or ovarian cancer syndrome; BRCA1- and BRCA2-Associated Hereditary Breast and Ovarian Cancer; Hereditary breast and ovarian cancer syndrome; Hereditary breast and ovarian cancer syndrome (HBOC); Breast and ovarian cancer. Identifiers: Orphanet 145, MedGen C0677776, MeSH D061325, MONDO:0003582. Disease mechanism: loss of function.
Hereditary cancer-predisposing syndrome. Also called: Tumor predisposition; Hereditary Cancer Syndrome; Hereditary neoplastic syndrome; Neoplastic Syndromes, Hereditary. Identifiers: Orphanet 140162, MedGen C0027672, MeSH D009386, MONDO:0015356.

Submissions (2):

University of Washington Department of Laboratory Medicine, University of Washington
Classification: Likely benign for Hereditary cancer-predisposing syndrome. Last evaluated: 2023-03-23. Review status: criteria provided, single submitter. Criteria: Dines et al. (Genet Med. 2020). Collection method: curation. Allele origin: germline.
Comment: Missense variant in a coldspot region where missense variants are very unlikely to be pathogenic (PMID:31911673).

BRCA2 exon 11 coldspot. Reclassification based on statistical prior probability.

Labcorp Genetics (formerly Invitae), Labcorp
Classification: Uncertain significance for Hereditary breast ovarian cancer syndrome. Last evaluated: 2016-11-25. Review status: criteria provided, single submitter. Criteria: Invitae Variant Classification Sherloc (09022015). Collection method: clinical testing. Allele origin: germline.
Comment: In summary, this variant is a novel missense change that is not predicted to affect protein function. There is no indication that it causes disease, but the available evidence is currently insufficient to prove that conclusively. Therefore, it has been classified as a Variant of Uncertain Significance. Algorithms developed to predict the effect of missense changes on protein structure and function output the following: (SIFT: "Tolerated"; PolyPhen-2: "Benign"; Align-GVGD: "Class C0"). The threonine amino acid residue is found in multiple mammalian species, suggesting that this missense change does not adversely affect protein function. These predictions have not been confirmed by published functional studies. This variant is not present in population databases (ExAC no frequency) and has not been reported in the literature in individuals with a BRCA2-related disease. This sequence change replaces serine with threonine at codon 2091 of the BRCA2 protein (p.Ser2091Thr). The serine residue is weakly conserved and there is a small physicochemical difference between serine and threonine.

NM_000059.4(BRCA2):c.6272G>C (p.Ser2091Thr)

Gene: BRCA2 (BRCA2 DNA repair associated; plus strand). Cytogenetic location: 13q13.1.
Variant type: single nucleotide variant.
Coding change: c.6272G>C on transcript NM_000059.4 (MANE Select); coding-DNA position 6272, G replaced by C.
Protein change: p.Ser2091Thr; replaces serine 2091 with threonine.
Molecular consequence: missense variant.
Genome position (GRCh38, 1-based): chr13:32,340,627, G>C. VCF-style: chr13-32340627-G-C. GRCh37 (hg19) VCF-style: chr13-32914764-G-C.
Other names: short protein forms S2091T.
Identifiers: ClinVar variation 409431 (VCV000409431.10), dbSNP rs1060502389, ClinGen allele CA16614333.